The following is an entry in ClinVar:

ClinVar aggregate classification (germline): Likely pathogenic. Review status: criteria provided, multiple submitters, no conflicts (2 of 4 stars). 3 submissions from 3 submitters: Likely pathogenic (3). Last evaluated 2024-10-06.

Conditions:
Torsion dystonia 6 (DYT6). Also called: DYT-THAP1. Identifiers: Orphanet 98806, MedGen C1414216, MONDO:0011264, OMIM 602629.

Allele frequency attached by ClinVar (database versions not stated): TOPMed below 0.00001.

Submissions (3):

Labcorp Genetics (formerly Invitae), Labcorp
Classification: Likely pathogenic for Torsion dystonia 6. Last evaluated: 2024-10-06. Review status: criteria provided, single submitter. Criteria: Invitae Variant Classification Sherloc (09022015). Collection method: clinical testing. Allele origin: germline.
Comment: This sequence change replaces serine, which is neutral and polar, with phenylalanine, which is neutral and non-polar, at codon 21 of the THAP1 protein (p.Ser21Phe). This variant is not present in population databases (gnomAD no frequency). This missense change has been observed in individuals with clinical features of dystonia (PMID: 24976531, 26610312, 33144682; internal data). ClinVar contains an entry for this variant (Variation ID: 425441). An algorithm developed to predict the effect of missense changes on protein structure and function (PolyPhen-2) suggests that this variant is likely to be disruptive. This variant disrupts the p.Ser21 amino acid residue in THAP1. Other variant(s) that disrupt this residue have been observed in individuals with THAP1-related conditions (PMID: 19345147, 22377579), which suggests that this may be a clinically significant amino acid residue. In summary, the currently available evidence indicates that the variant is pathogenic, but additional data are needed to prove that conclusively. Therefore, this variant has been classified as Likely Pathogenic.

CeGaT Center for Human Genetics Tuebingen
Classification: Likely pathogenic. Last evaluated: 2024-07-01. Review status: criteria provided, single submitter. Criteria: CeGaT Center For Human Genetics Tuebingen Variant Classification Criteria Version 2. Collection method: clinical testing. Allele origin: germline. Affected: yes. Observed: 4 variant alleles.
Comment: THAP1: PM1, PM2, PM5, PS4:Moderate

Mayo Clinic Laboratories, Mayo Clinic
Classification: Likely pathogenic for Torsion dystonia 6. Last evaluated: 2016-10-26. Review status: criteria provided, single submitter. Criteria: ACMG Guidelines, 2015. Collection method: clinical testing. Allele origin: paternal.

Literature cited by the submitters: PubMed 24976531 (cited by Labcorp Genetics (formerly Invitae), Labcorp); PubMed 26610312 (cited by Labcorp Genetics (formerly Invitae), Labcorp); PubMed 33144682 (cited by Labcorp Genetics (formerly Invitae), Labcorp); PubMed 19345147 (cited by Labcorp Genetics (formerly Invitae), Labcorp); PubMed 22377579 (cited by Labcorp Genetics (formerly Invitae), Labcorp).

NM_018105.3(THAP1):c.62C>T (p.Ser21Phe)

Gene: THAP1 (THAP domain containing 1; minus strand). Cytogenetic location: 8p11.21.
Variant type: single nucleotide variant.
Coding change: c.62C>T on transcript NM_018105.3 (MANE Select); coding-DNA position 62, C replaced by T.
Protein change: p.Ser21Phe; replaces serine 21 with phenylalanine.
Molecular consequence: missense variant.
Genome position (GRCh38, 1-based): chr8:42,843,033, G>A on the plus strand (C>T on the coding strand, the complement: THAP1 is on the minus strand). VCF-style: chr8-42843033-G-A. GRCh37 (hg19) VCF-style: chr8-42698176-G-A.
Other names: c.62C>T, p.Ser21Phe (NM_199003.2); short protein forms S21F.
Identifiers: ClinVar variation 425441 (VCV000425441.49), dbSNP rs1064797344, ClinGen allele CA16621865.